The following is an entry in ClinVar:

NM_032776.3(JMJD1C):c.3929C>T (p.Ser1310Phe)

Gene: JMJD1C (jumonji domain containing 1C; minus strand). Cytogenetic location: 10q21.3.
Variant type: single nucleotide variant.
Coding change: c.3929C>T on transcript NM_032776.3 (MANE Select); coding-DNA position 3929, C replaced by T.
Protein change: p.Ser1310Phe; replaces serine 1310 with phenylalanine.
Molecular consequence: missense variant. On other transcripts: non-coding transcript variant (1).
Genome position (GRCh38, 1-based): chr10:63,207,740, G>A on the plus strand (C>T on the coding strand, the complement: JMJD1C is on the minus strand). VCF-style: chr10-63207740-G-A. GRCh37 (hg19) VCF-style: chr10-64967500-G-A.
Other names: c.3383C>T, p.Ser1128Phe (NM_001282948.2, NM_001318154.2); c.3065C>T, p.Ser1022Phe (NM_001318153.2); c.3815C>T, p.Ser1272Phe (NM_001322252.2); c.3272C>T, p.Ser1091Phe (NM_001322254.2, NM_001322258.2); short protein forms S1272F, S1022F, S1310F, S1091F, S1128F.
Identifiers: ClinVar variation 2154839 (VCV002154839.4), dbSNP rs2492682387, ClinGen allele CA377039696.

ClinVar aggregate classification (germline): Uncertain significance (1 of 4 stars; one submission).

Conditions:
Early Myoclonic Encephalopathy. Identifiers: MedGen C0270855.

Allele frequency attached by ClinVar (database versions not stated): gnomAD exomes below 0.00001.
gnomAD v4.1: 1 of 1,614,188 alleles (0.000062%); highest among the groups gnomAD compares: Non-Finnish European, 0.000085%; no homozygotes.

Submission:

Labcorp Genetics (formerly Invitae), Labcorp
Classification: Uncertain significance for Early Myoclonic Encephalopathy. Last evaluated: 2024-10-22. Review status: criteria provided, single submitter. Criteria: Invitae Variant Classification Sherloc (09022015). Collection method: clinical testing. Allele origin: germline.
Comment: This sequence change replaces serine, which is neutral and polar, with phenylalanine, which is neutral and non-polar, at codon 1310 of the JMJD1C protein (p.Ser1310Phe). This variant is not present in population databases (gnomAD no frequency). This variant has not been reported in the literature in individuals affected with JMJD1C-related conditions. ClinVar contains an entry for this variant (Variation ID: 2154839). Invitae Evidence Modeling of protein sequence and biophysical properties (such as structural, functional, and spatial information, amino acid conservation, physicochemical variation, residue mobility, and thermodynamic stability) indicates that this missense variant is expected to disrupt JMJD1C protein function with a positive predictive value of 80%. In summary, the available evidence is currently insufficient to determine the role of this variant in disease. Therefore, it has been classified as a Variant of Uncertain Significance.